The following is an entry in ClinVar:

ClinVar aggregate classification (germline): Uncertain significance. Review status: criteria provided, multiple submitters, no conflicts (2 of 4 stars). 2 submissions from 2 submitters: Uncertain significance (2). Last evaluated 2024-06-24.

Conditions:
Duchenne muscular dystrophy (DMD). Also called: MUSCULAR DYSTROPHY, PSEUDOHYPERTROPHIC PROGRESSIVE, DUCHENNE TYPE; Duchenne Muscular Dystrophy (DMD). Identifiers: Orphanet 98896, MedGen C0013264, MONDO:0010679, OMIM 310200.

Allele frequency attached by ClinVar (database versions not stated): TOPMed below 0.00001.

Submissions (2):

Labcorp Genetics (formerly Invitae), Labcorp
Classification: Uncertain significance for Duchenne muscular dystrophy. Last evaluated: 2024-06-24. Review status: criteria provided, single submitter. Criteria: Invitae Variant Classification Sherloc (09022015). Collection method: clinical testing. Allele origin: germline.
Comment: This sequence change replaces asparagine, which is neutral and polar, with histidine, which is basic and polar, at codon 454 of the DMD protein (p.Asn454His). This variant is not present in population databases (gnomAD no frequency). This variant has not been reported in the literature in individuals affected with DMD-related conditions. Advanced modeling of protein sequence and biophysical properties (such as structural, functional, and spatial information, amino acid conservation, physicochemical variation, residue mobility, and thermodynamic stability) performed at Invitae indicates that this missense variant is not expected to disrupt DMD protein function with a negative predictive value of 95%. In summary, the available evidence is currently insufficient to determine the role of this variant in disease. Therefore, it has been classified as a Variant of Uncertain Significance.

Athena Diagnostics
Classification: Uncertain significance. Last evaluated: 2023-05-02. Review status: criteria provided, single submitter. Criteria: Athena Diagnostics Criteria. Collection method: clinical testing. Allele origin: unknown.
Comment: Available data are insufficient to determine the clinical significance of the variant at this time. This variant has not been reported in large, multi-ethnic general populations. Computational tools predict that this variant is not damaging. According to published research, less than 2% of dystrophin-related disease is due to missense mutation (Flanigan, et al. 2009. Hum Mutat 30: 1657-66. PMID: 19937601).

NM_004006.3(DMD):c.1360A>C (p.Asn454His)

Gene: DMD (dystrophin; minus strand). Cytogenetic location: Xp21.1.
Variant type: single nucleotide variant.
Coding change: c.1360A>C on transcript NM_004006.3 (MANE Select); coding-DNA position 1360, A replaced by C.
Protein change: p.Asn454His; replaces asparagine 454 with histidine.
Molecular consequence: missense variant.
Genome position (GRCh38, 1-based): chrX:32,614,425, T>G on the plus strand (A>C on the coding strand, the complement: DMD is on the minus strand). VCF-style: chrX-32614425-T-G. GRCh37 (hg19) VCF-style: chrX-32632542-T-G.
Other names: c.1336A>C, p.Asn446His (NM_000109.4); c.1348A>C, p.Asn450His (NM_004009.3); c.991A>C, p.Asn331His (NM_004010.3); short protein forms N331H, N446H, N450H, N454H.
Identifiers: ClinVar variation 2684172 (VCV002684172.3), dbSNP rs1363970931, ClinGen allele CA412670386.
Genomic context (GRCh38, chrX:32,614,425, plus strand): 5'-TTTTCCTTGTTCTTTCTTCTGTTTTTGTTAGCCAGTCATTCAACTCTTTCAGTTTCTGAT[T>G]CTGGAGATCCATTAAAACTCTATGTAAACTGAAAATTTGAAAGAAGCCTATTATGACCTC-3'
Protein context (NP_003997.2, residues 444-464): NLHRVLMDLQ[Asn454His]QKLKELNDWL